The following is an entry in ClinVar:

ClinVar aggregate classification (germline): Likely benign (1 of 4 stars; one submission).

Submission:

GeneDx
Classification: Likely benign. Last evaluated: 2017-05-15. Review status: criteria provided, single submitter. Criteria: GeneDx Variant Classification (06012015). Collection method: clinical testing. Allele origin: germline. Affected: yes.
Comment: This variant is considered likely benign or benign based on one or more of the following criteria: it is a conservative change, it occurs at a poorly conserved position in the protein, it is predicted to be benign by multiple in silico algorithms, and/or has population frequency not consistent with disease.

NM_000059.4(BRCA2):c.4278A>T (p.Thr1426=)

Gene: BRCA2 (BRCA2 DNA repair associated; plus strand). Cytogenetic location: 13q13.1.
Variant type: single nucleotide variant.
Coding change: c.4278A>T on transcript NM_000059.4 (MANE Select); coding-DNA position 4278, A replaced by T.
Protein change: p.Thr1426=; no amino-acid change (threonine 1426 retained).
Molecular consequence: synonymous variant.
Genome position (GRCh38, 1-based): chr13:32,338,633, A>T. VCF-style: chr13-32338633-A-T. GRCh37 (hg19) VCF-style: chr13-32912770-A-T.
Identifiers: ClinVar variation 509624 (VCV000509624.1), dbSNP rs1555283682, ClinGen allele CA483438131.